The following is an entry in ClinVar:

NM_000368.5(TSC1):c.1744A>G (p.Thr582Ala)

Gene: TSC1 (TSC complex subunit 1; minus strand). Cytogenetic location: 9q34.13.
Variant type: single nucleotide variant.
Coding change: c.1744A>G on transcript NM_000368.5 (MANE Select); coding-DNA position 1744, A replaced by G.
Protein change: p.Thr582Ala; replaces threonine 582 with alanine.
Molecular consequence: missense variant.
Genome position (GRCh38, 1-based): chr9:132,905,834, T>C on the plus strand (A>G on the coding strand, the complement: TSC1 is on the minus strand). VCF-style: chr9-132905834-T-C. GRCh37 (hg19) VCF-style: chr9-135781221-T-C.
Other names: c.1741A>G, p.Thr581Ala (NM_001162426.2); c.1591A>G, p.Thr531Ala (NM_001162427.2); c.1381A>G, p.Thr461Ala (NM_001362177.2); short protein forms T582A, T461A, T581A, T531A.
Identifiers: ClinVar variation 574099 (VCV000574099.16), dbSNP rs1564481573, ClinGen allele CA375363834.

ClinVar aggregate classification (germline): Conflicting classifications of pathogenicity. Review status: criteria provided, conflicting classifications (1 of 4 stars). 3 submissions from 3 submitters: Uncertain significance (2); Likely benign (1). Last evaluated 2025-12-19.

Conditions:
Hereditary cancer-predisposing syndrome. Also called: Hereditary neoplastic syndrome; Neoplastic Syndromes, Hereditary; Hereditary Cancer Syndrome; Tumor predisposition. Identifiers: Orphanet 140162, MedGen C0027672, MeSH D009386, MONDO:0015356.
Tuberous sclerosis 1 (TSC1). Identifiers: Orphanet 805, MedGen C1854465, MONDO:0008612, OMIM 191100.

Allele frequency attached by ClinVar (database versions not stated): gnomAD exomes below 0.00001.
gnomAD v4.1: 3 of 1,613,786 alleles (0.00019%); highest among the groups gnomAD compares: Non-Finnish European, 0.00017%; no homozygotes.

Submissions (3):

Ambry Genetics
Classification: Uncertain significance for Hereditary cancer-predisposing syndrome. Last evaluated: 2025-12-19. Review status: criteria provided, single submitter. Criteria: Ambry Variant Classification Scheme 2023. Collection method: clinical testing. Allele origin: germline.
Comment: The p.T582A variant (also known as c.1744A>G), located in coding exon 13 of the TSC1 gene, results from an A to G substitution at nucleotide position 1744. The threonine at codon 582 is replaced by alanine, an amino acid with similar properties. This amino acid position is well conserved in available vertebrate species. In addition, the in silico prediction for this alteration is inconclusive. Since supporting evidence is limited at this time, the clinical significance of this alteration remains unclear.

Labcorp Genetics (formerly Invitae), Labcorp
Classification: Likely benign for Tuberous sclerosis 1. Last evaluated: 2025-12-15. Review status: criteria provided, single submitter. Criteria: Invitae Variant Classification Sherloc (09022015). Collection method: clinical testing. Allele origin: germline.

Blueprint Genetics
Classification: Uncertain significance. Last evaluated: 2023-10-05. Review status: criteria provided, single submitter. Criteria: ACMG Guidelines, 2015. Collection method: clinical testing. Allele origin: germline.